The following is an entry in ClinVar:

NM_016239.4(MYO15A):c.6697C>T (p.Gln2233Ter)

Gene: MYO15A (myosin XVA; plus strand). Cytogenetic location: 17p11.2.
Variant type: single nucleotide variant.
Coding change: c.6697C>T on transcript NM_016239.4 (MANE Select); coding-DNA position 6697, C replaced by T.
Protein change: p.Gln2233Ter; replaces glutamine 2233 with a stop codon.
Molecular consequence: nonsense.
Genome position (GRCh38, 1-based): chr17:18,148,501, C>T. VCF-style: chr17-18148501-C-T. GRCh37 (hg19) VCF-style: chr17-18051815-C-T.
Other names: short protein forms Q2233*.
Identifiers: ClinVar variation 3601378 (VCV003601378.1).

ClinVar aggregate classification (germline): Likely pathogenic (1 of 4 stars; one submission).

Conditions:
Autosomal recessive nonsyndromic hearing loss 3. Also called: NEUROSENSORY NONSYNDROMIC RECESSIVE DEAFNESS 3. Identifiers: Orphanet 90636, MedGen C1838263, MONDO:0010860, OMIM 600316.

Submission:

Institute of Rare Diseases, West China Hospital, Sichuan University
Classification: Likely pathogenic for Autosomal recessive nonsyndromic hearing loss 3. Last evaluated: 2025-01-09. Review status: criteria provided, single submitter. Criteria: ClinGen HL ACMG Specifications v1. Collection method: research. Allele origin: germline. Affected: yes.
Comment: PVS1;PM2_Supporting